The following is an entry in ClinVar:

ClinVar aggregate classification (germline): Uncertain significance (1 of 4 stars; one submission).

Conditions:
Neonatal-onset encephalopathy with rigidity and seizures. Also called: Lethal neonatal spasticity-epileptic encephalopathy syndrome. Identifiers: Orphanet 435845, MedGen C3281029, MONDO:0013784, OMIM 614498.

Submission:

Labcorp Genetics (formerly Invitae), Labcorp
Classification: Uncertain significance for Neonatal-onset encephalopathy with rigidity and seizures. Last evaluated: 2024-02-24. Review status: criteria provided, single submitter. Criteria: Invitae Variant Classification Sherloc (09022015). Collection method: clinical testing. Allele origin: germline.
Comment: This sequence change replaces proline, which is neutral and non-polar, with serine, which is neutral and polar, at codon 297 of the BRAT1 protein (p.Pro297Ser). This variant is not present in population databases (gnomAD no frequency). This variant has not been reported in the literature in individuals affected with BRAT1-related conditions. ClinVar contains an entry for this variant (Variation ID: 1355690). Advanced modeling of protein sequence and biophysical properties (such as structural, functional, and spatial information, amino acid conservation, physicochemical variation, residue mobility, and thermodynamic stability) performed at Invitae indicates that this missense variant is not expected to disrupt BRAT1 protein function with a negative predictive value of 80%. In summary, the available evidence is currently insufficient to determine the role of this variant in disease. Therefore, it has been classified as a Variant of Uncertain Significance.

NM_152743.4(BRAT1):c.889C>T (p.Pro297Ser)

Gene: BRAT1 (BRCA1 associated ATM activator 1; minus strand). Cytogenetic location: 7p22.3.
Variant type: single nucleotide variant.
Coding change: c.889C>T on transcript NM_152743.4 (MANE Select); coding-DNA position 889, C replaced by T.
Protein change: p.Pro297Ser; replaces proline 297 with serine.
Molecular consequence: missense variant. On other transcripts: non-coding transcript variant (1).
Genome position (GRCh38, 1-based): chr7:2,543,238, G>A on the plus strand (C>T on the coding strand, the complement: BRAT1 is on the minus strand). VCF-style: chr7-2543238-G-A. GRCh37 (hg19) VCF-style: chr7-2582872-G-A.
Other names: c.889C>T, p.Pro297Ser (NM_001350626.2); c.364C>T, p.Pro122Ser (NM_001350627.2); short protein forms P297S, P122S.
Identifiers: ClinVar variation 1355690 (VCV001355690.7), dbSNP rs2128395694, ClinGen allele CA366630940.